The following is an entry in ClinVar:

ClinVar aggregate classification (germline): Likely benign (1 of 4 stars; one submission).

Conditions:
KMT2D-related disorder. Also called: KMT2D-Related Disorders.

Submission:

PreventionGenetics, part of Exact Sciences
Classification: Likely benign for KMT2D-related condition. Last evaluated: 2025-11-10. Review status: criteria provided, single submitter. Criteria: ACMG Guidelines, 2015. Collection method: clinical testing. Allele origin: germline.
Comment: This variant is classified as likely benign based on ACMG/AMP sequence variant interpretation guidelines (Richards et al. 2015 PMID: 25741868, with internal and published modifications).

NM_003482.4(KMT2D):c.5313C>T (p.Tyr1771=)

Gene: KMT2D (lysine methyltransferase 2D; minus strand). Cytogenetic location: 12q13.12.
Variant type: single nucleotide variant.
Coding change: c.5313C>T on transcript NM_003482.4 (MANE Select); coding-DNA position 5313, C replaced by T.
Protein change: p.Tyr1771=; no amino-acid change (tyrosine 1771 retained).
Molecular consequence: synonymous variant.
Genome position (GRCh38, 1-based): chr12:49,043,874, G>A on the plus strand (C>T on the coding strand, the complement: KMT2D is on the minus strand). VCF-style: chr12-49043874-G-A. GRCh37 (hg19) VCF-style: chr12-49437657-G-A.
Identifiers: ClinVar variation 4996129 (VCV004996129.1).